The following is an entry in ClinVar:

ClinVar aggregate classification (germline): Pathogenic (1 of 4 stars; one submission).

Submission:

Labcorp Genetics (formerly Invitae), Labcorp
Classification: Pathogenic. Last evaluated: 2025-11-25. Review status: criteria provided, single submitter. Criteria: Invitae Variant Classification Sherloc (09022015). Collection method: clinical testing. Allele origin: germline.
Comment: This variant, c.2041_2043del, results in the deletion of 1 amino acid(s) of the ERCC2 protein (p.Asp681del), but otherwise preserves the integrity of the reading frame. This variant is present in population databases (no rsID available, gnomAD 0.004%). This variant has not been reported in the literature in individuals affected with ERCC2-related conditions. ClinVar contains an entry for this variant (Variation ID: 3718974). This variant disrupts a region of the ERCC2 protein in which other variant(s) (p.Asp681Asn) have been determined to be pathogenic (PMID: 11443545, 18470933, 23232694). This suggests that this is a clinically significant region of the protein, and that variants that disrupt it are likely to be disease-causing. For these reasons, this variant has been classified as Pathogenic.

Literature cited by the submitters: PubMed 11443545; PubMed 18470933; PubMed 23232694.

NM_000400.4(ERCC2):c.2041_2043del (p.Asp681del)

Gene: ERCC2 (ERCC excision repair 2, TFIIH core complex helicase subunit; minus strand). Cytogenetic location: 19q13.32.
Variant type: Deletion.
Coding change: c.2041_2043del on transcript NM_000400.4 (MANE Select); coding-DNA positions 2041 to 2043, 3 bases deleted (GAC; older notation c.2041_2043delGAC).
Protein change: p.Asp681del; deletes aspartic acid 681.
Genome position (GRCh38, 1-based): chr19:45,352,509-45,352,511, GTC deleted on the plus strand (GAC on the coding strand, the reverse complement: ERCC2 is on the minus strand); deleting any 3 consecutive bases within chr19:45,352,509-45,352,512 gives the same sequence; the c. name uses the placement nearest the transcript's 3' end. VCF-style (leftmost placement, unchanged base first): chr19-45352508-TGTC-T. GRCh37 (hg19) VCF-style: chr19-45855766-TGTC-T.
Other names: short protein forms D681del.
Identifiers: ClinVar variation 3718974 (VCV003718974.2).